The following is an entry in ClinVar:

NM_000152.5(GAA):c.692T>C (p.Leu231Pro)

Gene: GAA (alpha glucosidase; plus strand). Cytogenetic location: 17q25.3.
Variant type: single nucleotide variant.
Coding change: c.692T>C on transcript NM_000152.5 (MANE Select); coding-DNA position 692, T replaced by C.
Protein change: p.Leu231Pro; replaces leucine 231 with proline.
Molecular consequence: missense variant.
Genome position (GRCh38, 1-based): chr17:80,105,894, T>C. VCF-style: chr17-80105894-T-C. GRCh37 (hg19) VCF-style: chr17-78079693-T-C.
Other names: c.692T>C, p.Leu231Pro (NM_001079803.3, NM_001079804.3, NM_001406741.1 and 1 more transcripts); short protein forms L231P.
Identifiers: ClinVar variation 4876571 (VCV004876571.1).

ClinVar aggregate classification (germline): Uncertain significance (1 of 4 stars; one submission).

Conditions:
Glycogen storage disease, type II (IOPD). Also called: Pompe Disease; CARDIOMEGALIA GLYCOGENICA DIFFUSA; GLYCOGENOSIS, GENERALIZED, CARDIAC FORM; GSD II; POMPE DISEASE, INFANTILE-ONSET; GLYCOGEN STORAGE DISEASE II, INFANTILE-ONSET. Identifiers: Orphanet 365, MedGen C0017921, MONDO:0009290, OMIM 232300.

Submission:

Genomenon, Inc
Classification: Uncertain significance for Glycogen storage disease, type II. Last evaluated: 2026-07-01. Review status: criteria provided, single submitter. Criteria: Genomenon Sequence Variant Interpretation Standards - Updated. Collection method: curation. Allele origin: germline. Affected: no.
Comment: GAA p.Leu231Pro (c.692T>C) is a missense variant that changes the amino acid at codon 231 from Leucine to Proline. This variant has been reported in the published literature (PMID:31342611;33560568). It is absent or not present at a significant frequency in gnomAD. In silico models predict that this variant is possibly or probably damaging. In conclusion, we classify GAA p.Leu231Pro (c.692T>C) as a variant of uncertain significance.

Literature cited by the submitters: PubMed 31342611; PubMed 33560568.